The following is an entry in ClinVar:

NM_003998.4(NFKB1):c.862G>A (p.Glu288Lys)

Gene: NFKB1 (nuclear factor kappa B subunit 1; plus strand). Cytogenetic location: 4q24.
Variant type: single nucleotide variant.
Coding change: c.862G>A on transcript NM_003998.4 (MANE Select); coding-DNA position 862, G replaced by A.
Protein change: p.Glu288Lys; replaces glutamic acid 288 with lysine.
Molecular consequence: missense variant.
Genome position (GRCh38, 1-based): chr4:102,582,892, G>A. VCF-style: chr4-102582892-G-A. GRCh37 (hg19) VCF-style: chr4-103504049-G-A.
Other names: c.859G>A, p.Glu287Lys (NM_001165412.2, NM_001319226.2); c.862G>A, p.Glu288Lys (LRG_1316t1); short protein forms E288K, E287K.
Identifiers: ClinVar variation 373410 (VCV000373410.1), dbSNP rs1057518403, ClinGen allele CA16042474.

ClinVar aggregate classification (germline): Uncertain significance (1 of 4 stars; one submission).

Allele frequency attached by ClinVar (database versions not stated): gnomAD 0.00001; TOPMed 0.00001.

Submission:

GeneDx
Classification: Uncertain significance. Last evaluated: 2016-11-28. Review status: criteria provided, single submitter. Criteria: GeneDx Variant Classification (06012015). Collection method: clinical testing. Allele origin: germline. Affected: yes.
Comment: The E288K variant in the NFKB1 gene has not been reported previously as a pathogenic variant, nor as a benign variant, to our knowledge. The E288K variant was not observed in approximately 6500 individuals of European and African American ancestry in the NHLBI Exome Sequencing Project, indicating it is not a common benign variant in these populations. The E288K variant is a non-conservative amino acid substitution, which is likely to impact secondary protein structure as these residues differ in polarity, charge, size and/or other properties. This substitution occurs at a position that is conserved across species, and in silico analysis predicts this variant is probably damaging to the protein structure/function. We interpret E288K as a variant of uncertain significance.